The following is an entry in ClinVar:

ClinVar aggregate classification (germline): Conflicting classifications of pathogenicity. Review status: criteria provided, conflicting classifications (1 of 4 stars). 7 submissions from 7 submitters: Pathogenic (2); Likely pathogenic (4); Uncertain significance (1). Last evaluated 2026-01-17.

Conditions:
Glycine encephalopathy. Also called: Nonketotic hyperglycinemia; Non-ketotic hyperglycinemia. Identifiers: Orphanet 407, MedGen C0751748, MONDO:0011612, HP:0008288.
Glycine encephalopathy 1 (GCE1). Identifiers: MedGen CN376801, MONDO:0958179, OMIM 605899.

Allele frequency attached by ClinVar (database versions not stated): TOPMed below 0.00001.
gnomAD v4.1: 10 of 1,614,108 alleles (0.00062%); highest among the groups gnomAD compares: Admixed American, 0.0033%; no homozygotes.

Submissions (7):

Labcorp Genetics (formerly Invitae), Labcorp
Classification: Pathogenic for Glycine encephalopathy. Last evaluated: 2026-01-17. Review status: criteria provided, single submitter. Criteria: Invitae Variant Classification Sherloc (09022015). Collection method: clinical testing. Allele origin: germline.
Comment: This sequence change replaces isoleucine, which is neutral and non-polar, with threonine, which is neutral and polar, at codon 933 of the GLDC protein (p.Ile933Thr). This variant is present in population databases (rs758029533, gnomAD 0.006%). This missense change has been observed in individual(s) with glycine encephalopathy (PMID: 26179960, 27362913). In at least one individual the data is consistent with being in trans (on the opposite chromosome) from a pathogenic variant. ClinVar contains an entry for this variant (Variation ID: 551679). Invitae Evidence Modeling of protein sequence and biophysical properties (such as structural, functional, and spatial information, amino acid conservation, physicochemical variation, residue mobility, and thermodynamic stability) indicates that this missense variant is expected to disrupt GLDC protein function with a positive predictive value of 95%. This variant disrupts the p.Ile933 amino acid residue in GLDC. Other variant(s) that disrupt this residue have been observed in individuals with GLDC-related conditions (PMID: 27362913), which suggests that this may be a clinically significant amino acid residue. For these reasons, this variant has been classified as Pathogenic.

3billion
Classification: Likely pathogenic for Glycine encephalopathy 1. Last evaluated: 2025-09-10. Review status: criteria provided, single submitter. Criteria: ACMG Guidelines, 2015. Collection method: clinical testing. Allele origin: germline. Affected: yes.
Comment: The variant is observed at an extremely low frequency in the gnomAD v4.1.0 dataset (total allele frequency: <0.001%). Predicted Consequence/Location: Missense variant In silico tool predictions suggest damaging effect of the variant on gene or gene product [REVEL: 0.88 (>=0.6, sensitivity 0.68 and specificity 0.92)]. The same nucleotide change resulting in the same amino acid change has been previously reported as pathogenic/likely pathogenic with strong evidence (ClinVar ID: VCV000551679 /PMID: 26179960). Therefore, this variant is classified as Likely pathogenic according to the recommendation of ACMG/AMP guideline.

Natera, Inc.
Classification: Likely pathogenic for Non-ketotic hyperglycinemia. Last evaluated: 2025-05-13. Review status: criteria provided, single submitter. Criteria: Natera Variant Classification Schema (03/2026). Collection method: clinical testing. Allele origin: germline.
Comment: The c.2798T>C variant in GLDC is a missense variant predicted to cause substitution of isoleucine to threonine at amino acid 933. This variant is rare in the general population with a frequency below the threshold expected for the associated phenotype(s). This variant has been observed in one or more individuals affected with the associated recessive disease, as either homozygous or compound heterozygous with a second variant (PMID: 28244183, 27362913). Functional studies show that this variant may disrupt protein function (PMID: 28244183). Computational prediction algorithms indicate this variant is likely to affect gene or protein function. Given the available evidence, this variant is classified as Likely Pathogenic.

GeneDx
Classification: Likely pathogenic. Last evaluated: 2024-10-20. Review status: criteria provided, single submitter. Criteria: GeneDx Variant Classification Process June 2021. Collection method: clinical testing. Allele origin: germline.
Comment: Published functional studies suggest decreased expression and GCS P-protein exchange activity (PMID: 28244183); Not observed at significant frequency in large population cohorts (gnomAD); In silico analysis supports that this missense variant has a deleterious effect on protein structure/function; This variant is associated with the following publications: (PMID: 28244183, 26179960, 36817643, 27362913)

Fulgent Genetics
Classification: Likely pathogenic for Glycine encephalopathy 1. Last evaluated: 2024-03-02. Review status: criteria provided, single submitter. Criteria: ACMG Guidelines, 2015. Collection method: clinical testing. Allele origin: germline.

Myriad Genetics, Inc.
Classification: Uncertain significance for Glycine encephalopathy 1. Last evaluated: 2021-11-16. Review status: criteria provided, single submitter. Criteria: Myriad Women's Health Autosomal Recessive and X-Linked Classification Criteria (2021). Collection method: clinical testing. Allele origin: unknown.
Comment: NM_000170.2(GLDC):c.2798T>C(I933T) is a missense variant classified as a variant of uncertain significance in the context of glycine encephalopathy, GLDC-related. I933T has been observed in cases with relevant disease (PMID: 27362913). Functional assessments of this variant are available in the literature (PMID: 28244183). I933T has been observed in population frequency databases (gnomAD: OTH 0.02%). In summary, there is insufficient evidence to classify NM_000170.2(GLDC):c.2798T>C(I933T) as pathogenic or benign. Please note: this variant was assessed in the context of healthy population screening.

CeGaT Center for Human Genetics Tuebingen
Classification: Pathogenic. Last evaluated: 2016-10-01. Review status: criteria provided, single submitter. Criteria: CeGaT Center For Human Genetics Tuebingen Variant Classification Criteria Version 2. Collection method: clinical testing. Allele origin: germline. Affected: yes. Observed: 1 variant allele.

Literature cited by the submitters: PubMed 26179960 (cited by Labcorp Genetics (formerly Invitae), Labcorp and 3billion); PubMed 27362913 (cited by 3 submitters); PubMed 28244183 (cited by Natera, Inc. and Myriad Genetics, Inc.).

NM_000170.3(GLDC):c.2798T>C (p.Ile933Thr)

Gene: GLDC (glycine decarboxylase; minus strand). Cytogenetic location: 9p24.1.
Variant type: single nucleotide variant.
Coding change: c.2798T>C on transcript NM_000170.3 (MANE Select); coding-DNA position 2798, T replaced by C.
Protein change: p.Ile933Thr; replaces isoleucine 933 with threonine.
Molecular consequence: missense variant.
Genome position (GRCh38, 1-based): chr9:6,536,104, A>G on the plus strand (T>C on the coding strand, the complement: GLDC is on the minus strand). VCF-style: chr9-6536104-A-G. GRCh37 (hg19) VCF-style: chr9-6536104-A-G.
Other names: short protein forms I933T.
Identifiers: ClinVar variation 551679 (VCV000551679.63), dbSNP rs758029533, ClinGen allele CA4980073.